The following is an entry in ClinVar:

ClinVar aggregate classification (germline): Uncertain significance (1 of 4 stars; one submission).

Conditions:
Perlman syndrome (PRLMNS). Identifiers: Orphanet 2849, MedGen C0796113, MONDO:0009965, OMIM 267000.

Submission:

Labcorp Genetics (formerly Invitae), Labcorp
Classification: Uncertain significance for Perlman syndrome. Last evaluated: 2019-05-22. Review status: criteria provided, single submitter. Criteria: Invitae Variant Classification Sherloc (09022015). Collection method: clinical testing. Allele origin: germline.
Comment: This sequence change replaces alanine with valine at codon 393 of the DIS3L2 protein (p.Ala393Val). The alanine residue is highly conserved and there is a small physicochemical difference between alanine and valine. This variant is not present in population databases (ExAC no frequency). This variant has not been reported in the literature in individuals with DIS3L2-related disease. Algorithms developed to predict the effect of missense changes on protein structure and function are either unavailable or do not agree on the potential impact of this missense change (SIFT: "Deleterious"; PolyPhen-2: "Probably Damaging"; Align-GVGD: "Class C0"). In summary, the available evidence is currently insufficient to determine the role of this variant in disease. Therefore, it has been classified as a Variant of Uncertain Significance.

NM_152383.5(DIS3L2):c.1178C>T (p.Ala393Val)

Gene: DIS3L2 (DIS3 like 3'-5' exoribonuclease 2; plus strand). Cytogenetic location: 2q37.1.
Variant type: single nucleotide variant.
Coding change: c.1178C>T on transcript NM_152383.5 (MANE Select); coding-DNA position 1178, C replaced by T.
Protein change: p.Ala393Val; replaces alanine 393 with valine.
Molecular consequence: missense variant. On other transcripts: non-coding transcript variant (2).
Genome position (GRCh38, 1-based): chr2:232,210,379, C>T. VCF-style: chr2-232210379-C-T. GRCh37 (hg19) VCF-style: chr2-233075089-C-T.
Other names: c.1178C>T, p.Ala393Val (NM_001257281.2); short protein forms A393V.
Identifiers: ClinVar variation 649403 (VCV000649403.10), dbSNP rs1574947701, ClinGen allele CA351154086.